The following is an entry in ClinVar:

ClinVar aggregate classification (germline): Pathogenic/Likely pathogenic. Review status: criteria provided, multiple submitters, no conflicts (2 of 4 stars). 6 submissions from 6 submitters: Pathogenic (3); Likely pathogenic (3). Last evaluated 2025-11-17.

Conditions:
Autosomal recessive EFEMP2-related disorders.
Familial aortopathy. Identifiers: MedGen CN078214.
Cutis laxa, autosomal recessive, type 1B (ARCL1B). Also called: EFEMP2-Related Cutis Laxa; CUTIS LAXA, AUTOSOMAL RECESSIVE, TYPE IB. Identifiers: Orphanet 90349, MedGen C3280798, MONDO:0013754, OMIM 614437. Disease mechanism: loss of function.

Allele frequency attached by ClinVar (database versions not stated): ExAC 0.00002; TOPMed 0.00002.
gnomAD v4.1: 23 of 1,613,928 alleles (0.0014%); highest among the groups gnomAD compares: East Asian, 0.0022%; no homozygotes.

Submissions (6):

Variantyx, Inc.
Classification: Likely pathogenic for Autosomal recessive EFEMP2-related disorders. Last evaluated: 2025-11-17. Review status: criteria provided, single submitter. Criteria: Variantyx Assertion Criteria 2022. Collection method: clinical testing. Allele origin: germline. Inheritance: Autosomal recessive inheritance. Affected: no.
Comment: This is a nonsynonymous variant in the EFEMP2 gene (OMIM: 604633). Pathogenic variants in this gene have been associated with autosomal recessive EFEMP2-related disorders. This variant has been identified in the homozygous state in at least four individuals reported in the published literature (PMID: 22440127) (PM3) and it has been observed to segregate with disease in at least five individuals from four families (PMID: 22440127) (PP1). It has a 0.0022% maximum allele frequency in non-founder control populations (PM2). Computational algorithms produce conflicting evidence regarding the predicted functional impact of this variant (REVEL score: 0.535). Based on the current evidence, this variant is classified as likely pathogenic for autosomal recessive EFEMP2-related disorders.

Women's Health and Genetics/Laboratory Corporation of America, LabCorp
Classification: Pathogenic for Familial aortopathy. Last evaluated: 2024-10-02. Review status: criteria provided, single submitter. Criteria: LabCorp Variant Classification Summary - May 2015. Collection method: clinical testing. Allele origin: germline.
Comment: Variant summary: EFEMP2 c.481G>A (p.Glu161Lys) results in a conservative amino acid change located in the EGF-like domain (IPR000742) of the encoded protein sequence. Three of five in-silico tools predict a benign effect of the variant on protein function. The variant allele was found at a frequency of 1.2e-05 in 250670 control chromosomes. c.481G>A has been reported in the literature in multiple individuals affected with Aortopathy (Al-Hassnan_2012, Monies_2019). These data indicate that the variant is very likely to be associated with disease. To our knowledge, no experimental evidence demonstrating an impact on protein function has been reported. The following publications have been ascertained in the context of this evaluation (PMID: 22440127, 31130284). ClinVar contains an entry for this variant (Variation ID: 915377). Based on the evidence outlined above, the variant was classified as pathogenic.

GeneDx
Classification: Likely pathogenic. Last evaluated: 2024-06-18. Review status: criteria provided, single submitter. Criteria: GeneDx Variant Classification Process June 2021. Collection method: clinical testing. Allele origin: germline. Affected: yes.
Comment: Not observed at significant frequency in large population cohorts (gnomAD); In silico analysis indicates that this missense variant does not alter protein structure/function; This variant is associated with the following publications: (PMID: 22440127, 31130284)

Genomic Medicine Center of Excellence, King Faisal Specialist Hospital and Research Centre
Classification: Likely pathogenic for Cutis laxa, autosomal recessive, type 1B. Last evaluated: 2024-03-17. Review status: criteria provided, single submitter. Criteria: ACMG Guidelines, 2015. Collection method: research. Allele origin: germline.

Labcorp Genetics (formerly Invitae), Labcorp
Classification: Pathogenic for Cutis laxa, autosomal recessive, type 1B. Last evaluated: 2021-10-14. Review status: criteria provided, single submitter. Criteria: Invitae Variant Classification Sherloc (09022015). Collection method: clinical testing. Allele origin: germline.
Comment: For these reasons, this variant has been classified as Pathogenic. Algorithms developed to predict the effect of missense changes on protein structure and function are either unavailable or do not agree on the potential impact of this missense change (SIFT: "Deleterious"; PolyPhen-2: "Possibly Damaging"; Align-GVGD: "Class C0"). ClinVar contains an entry for this variant (Variation ID: 915377). This missense change has been observed in individual(s) with aortic aneurysm (PMID: 22440127). It has also been observed to segregate with disease in related individuals. This variant is present in population databases (rs761656636, ExAC 0.01%). This sequence change replaces glutamic acid with lysine at codon 161 of the EFEMP2 protein (p.Glu161Lys). The glutamic acid residue is highly conserved and there is a small physicochemical difference between glutamic acid and lysine.

Genomic Research Center, Shahid Beheshti University of Medical Sciences
Classification: Pathogenic for Cutis laxa, autosomal recessive, type 1B. Last evaluated: 2020-05-03. Review status: criteria provided, single submitter. Criteria: ACMG Guidelines, 2015. Collection method: clinical testing. Allele origin: unknown. Affected: yes.

Literature cited by the submitters: PubMed 22440127 (cited by 3 submitters); PubMed 31130284 (cited by Women's Health and Genetics/Laboratory Corporation of America, LabCorp).

NM_016938.5(EFEMP2):c.481G>A (p.Glu161Lys)

Gene: EFEMP2 (EGF-like fibulin extracellular matrix protein 2; minus strand). Cytogenetic location: 11q13.1.
Variant type: single nucleotide variant.
Coding change: c.481G>A on transcript NM_016938.5 (MANE Select); coding-DNA position 481, G replaced by A.
Protein change: p.Glu161Lys; replaces glutamic acid 161 with lysine.
Molecular consequence: missense variant. On other transcripts: non-coding transcript variant (1).
Genome position (GRCh38, 1-based): chr11:65,870,545, C>T on the plus strand (G>A on the coding strand, the complement: EFEMP2 is on the minus strand). VCF-style: chr11-65870545-C-T. GRCh37 (hg19) VCF-style: chr11-65638016-C-T.
Other names: c.481G>A (NM_016938.4); short protein forms E161K.
Identifiers: ClinVar variation 915377 (VCV000915377.13), dbSNP rs761656636, ClinGen allele CA6110655.